The following is an entry in ClinVar:

ClinVar aggregate classification (germline): Uncertain significance (1 of 4 stars; one submission).

Conditions:
Malignant hyperthermia, susceptibility to, 1 (MHS1). Also called: Anesthesia related hyperthermia; Malignant hyperpyrexia; Fulminating hyperpyrexia; Pharmacogenic myopathy; Malignant hyperthermia suceptibility 1; RYR1-Related Malignant Hyperthermia Susceptibility. Identifiers: Orphanet 423, MedGen C2930980, MONDO:0007783, OMIM 145600.

Submission:

All of Us Research Program, National Institutes of Health
Classification: Uncertain significance for Malignant hyperthermia, susceptibility to, 1. Last evaluated: 2024-04-16. Review status: criteria provided, single submitter. Criteria: ACMG Guidelines, 2015. Collection method: clinical testing. Allele origin: germline. Inheritance: Autosomal dominant inheritance. Observed: 1 variant allele, 1 heterozygote.
Comment: This missense variant replaces asparagine with lysine at codon 3869 of the RYR1 protein. Computational prediction suggests that this variant may not impact protein structure and function (internally defined REVEL score threshold <= 0.5, PMID: 27666373). To our knowledge, functional studies have not been reported for this variant. This variant has not been reported in individuals affected with RYR1-related disorders in the literature. This variant has not been identified in the general population by the Genome Aggregation Database (gnomAD). The available evidence is insufficient to determine the role of this variant in disease conclusively. Therefore, this variant is classified as a Variant of Uncertain Significance.

This study involves interpretation of variants in research participants for the purpose of population health screening. Participant phenotype was not available at the time of variant classification. Additional details can be found in publication PMID: 35346344, PMCID: PMC8962531

NM_000540.3(RYR1):c.11607C>G (p.Asn3869Lys)

Gene: RYR1 (ryanodine receptor 1; plus strand). Cytogenetic location: 19q13.2.
Variant type: single nucleotide variant.
Coding change: c.11607C>G on transcript NM_000540.3 (MANE Select); coding-DNA position 11607, C replaced by G.
Protein change: p.Asn3869Lys; replaces asparagine 3869 with lysine.
Molecular consequence: missense variant.
Genome position (GRCh38, 1-based): chr19:38,536,766, C>G. VCF-style: chr19-38536766-C-G. GRCh37 (hg19) VCF-style: chr19-39027406-C-G.
Other names: c.11592C>G, p.Asn3864Lys (NM_001042723.2); short protein forms N3864K, N3869K.
Identifiers: ClinVar variation 3385561 (VCV003385561.1).